The following is an entry in ClinVar:

NM_014444.5(TUBGCP4):c.1485G>C (p.Trp495Cys)

Gene: TUBGCP4 (tubulin gamma complex component 4; plus strand). Cytogenetic location: 15q15.3.
Variant type: single nucleotide variant.
Coding change: c.1485G>C on transcript NM_014444.5 (MANE Select); coding-DNA position 1485, G replaced by C.
Protein change: p.Trp495Cys; replaces tryptophan 495 with cysteine.
Molecular consequence: missense variant.
Genome position (GRCh38, 1-based): chr15:43,400,110, G>C. VCF-style: chr15-43400110-G-C. GRCh37 (hg19) VCF-style: chr15-43692308-G-C.
Other names: c.1488G>C, p.Trp496Cys (NM_001286414.3); short protein forms W496C, W495C.
Identifiers: ClinVar variation 1386592 (VCV001386592.5), dbSNP rs751740119, ClinGen allele CA7524103.

ClinVar aggregate classification (germline): Uncertain significance (1 of 4 stars; one submission).

Allele frequency attached by ClinVar (database versions not stated): ExAC 0.00001; gnomAD exomes 0.00001 and 0.00002; TOPMed 0.00002.

Submission:

Labcorp Genetics (formerly Invitae), Labcorp
Classification: Uncertain significance. Last evaluated: 2024-05-29. Review status: criteria provided, single submitter. Criteria: Invitae Variant Classification Sherloc (09022015). Collection method: clinical testing. Allele origin: germline.
Comment: This sequence change replaces tryptophan, which is neutral and slightly polar, with cysteine, which is neutral and slightly polar, at codon 496 of the TUBGCP4 protein (p.Trp496Cys). This variant is present in population databases (rs751740119, gnomAD 0.009%). This variant has not been reported in the literature in individuals affected with TUBGCP4-related conditions. ClinVar contains an entry for this variant (Variation ID: 1386592). Advanced modeling of protein sequence and biophysical properties (such as structural, functional, and spatial information, amino acid conservation, physicochemical variation, residue mobility, and thermodynamic stability) has been performed at Invitae for this missense variant, however the output from this modeling did not meet the statistical confidence thresholds required to predict the impact of this variant on TUBGCP4 protein function. In summary, the available evidence is currently insufficient to determine the role of this variant in disease. Therefore, it has been classified as a Variant of Uncertain Significance.